The following is an entry in ClinVar:

ClinVar aggregate classification (germline): Uncertain significance (1 of 4 stars; one submission).

Submission:

Labcorp Genetics (formerly Invitae), Labcorp
Classification: Uncertain significance. Last evaluated: 2025-01-28. Review status: criteria provided, single submitter. Criteria: Invitae Variant Classification Sherloc (09022015). Collection method: clinical testing. Allele origin: germline.
Comment: This sequence change replaces arginine, which is basic and polar, with glutamine, which is neutral and polar, at codon 196 of the PQBP1 protein (p.Arg196Gln). The frequency data for this variant in the population databases is considered unreliable, as metrics indicate poor data quality at this position in the gnomAD database. This variant has not been reported in the literature in individuals affected with PQBP1-related conditions. Invitae Evidence Modeling of protein sequence and biophysical properties (such as structural, functional, and spatial information, amino acid conservation, physicochemical variation, residue mobility, and thermodynamic stability) indicates that this missense variant is not expected to disrupt PQBP1 protein function with a negative predictive value of 80%. In summary, the available evidence is currently insufficient to determine the role of this variant in disease. Therefore, it has been classified as a Variant of Uncertain Significance.

NM_001032382.2(PQBP1):c.587G>A (p.Arg196Gln)

Gene: PQBP1 (polyglutamine binding protein 1; plus strand). Cytogenetic location: Xp11.23.
Variant type: single nucleotide variant.
Coding change: c.587G>A on transcript NM_001032382.2 (MANE Select); coding-DNA position 587, G replaced by A.
Protein change: p.Arg196Gln; replaces arginine 196 with glutamine.
Molecular consequence: missense variant.
Genome position (GRCh38, 1-based): chrX:48,902,741, G>A. VCF-style: chrX-48902741-G-A. GRCh37 (hg19) VCF-style: chrX-48760018-G-A.
Other names: c.587G>A, p.Arg196Gln (NM_001032381.2, NM_001032383.2, NM_001032384.1 and 1 more transcripts); c.584G>A, p.Arg195Gln (NM_001167989.2); c.563G>A, p.Arg188Gln (NM_001167990.2); c.287G>A, p.Arg96Gln (NM_001167992.1); c.302G>A, p.Arg101Gln (NM_144495.3); short protein forms R196Q, R195Q, R96Q, R188Q, R101Q.
Identifiers: ClinVar variation 3665525 (VCV003665525.2).